The following is an entry in ClinVar:

NM_000751.3(CHRND):c.172C>T (p.Leu58Phe)

Gene: CHRND (cholinergic receptor nicotinic delta subunit; plus strand). Cytogenetic location: 2q37.1.
Variant type: single nucleotide variant.
Coding change: c.172C>T on transcript NM_000751.3 (MANE Select); coding-DNA position 172, C replaced by T.
Protein change: p.Leu58Phe; replaces leucine 58 with phenylalanine.
Molecular consequence: missense variant. On other transcripts: 5 prime UTR variant (2).
Genome position (GRCh38, 1-based): chr2:232,526,648, C>T. VCF-style: chr2-232526648-C-T. GRCh37 (hg19) VCF-style: chr2-233391358-C-T.
Other names: c.172C>T, p.Leu58Phe (NM_001256657.2); c.-100C>T (NM_001311195.2, NM_001311196.2); short protein forms L58F.
Identifiers: ClinVar variation 895705 (VCV000895705.11), dbSNP rs752410720, ClinGen allele CA2167915.

ClinVar aggregate classification (germline): Uncertain significance. Review status: criteria provided, multiple submitters, no conflicts (2 of 4 stars). 3 submissions from 2 submitters: Uncertain significance (3). Last evaluated 2024-10-09.

Conditions:
Congenital myasthenic syndrome (CMS). Also called: Congenital Myasthenic Syndromes. Identifiers: Orphanet 590, MedGen C0751882, MeSH D020294, MONDO:0018940.
Lethal multiple pterygium syndrome (LMPS). Identifiers: Orphanet 33108, MedGen C1854678, MONDO:0009668, OMIM 253290.

Allele frequency attached by ClinVar (database versions not stated): gnomAD 0.00001 and 0.00003; TOPMed 0.00001; gnomAD exomes 0.00003 and 0.00006; ExAC 0.00005.

Submissions (3):

Labcorp Genetics (formerly Invitae), Labcorp
Classification: Uncertain significance for Lethal multiple pterygium syndrome. Last evaluated: 2024-10-09. Review status: criteria provided, single submitter. Criteria: Invitae Variant Classification Sherloc (09022015). Collection method: clinical testing. Allele origin: germline.
Comment: This sequence change replaces leucine, which is neutral and non-polar, with phenylalanine, which is neutral and non-polar, at codon 58 of the CHRND protein (p.Leu58Phe). This variant is present in population databases (rs752410720, gnomAD 0.04%). This variant has not been reported in the literature in individuals affected with CHRND-related conditions. ClinVar contains an entry for this variant (Variation ID: 895705). Invitae Evidence Modeling of protein sequence and biophysical properties (such as structural, functional, and spatial information, amino acid conservation, physicochemical variation, residue mobility, and thermodynamic stability) has been performed for this missense variant. However, the output from this modeling did not meet the statistical confidence thresholds required to predict the impact of this variant on CHRND protein function. In summary, the available evidence is currently insufficient to determine the role of this variant in disease. Therefore, it has been classified as a Variant of Uncertain Significance.

Illumina Laboratory Services, Illumina
Classification: Uncertain significance for Lethal multiple pterygium syndrome. Last evaluated: 2018-01-13. Review status: criteria provided, single submitter. Criteria: ICSL Variant Classification Criteria 13 December 2019. Collection method: clinical testing. Allele origin: germline.

Illumina Laboratory Services, Illumina
Classification: Uncertain significance for Congenital myasthenic syndrome. Last evaluated: 2018-01-13. Review status: criteria provided, single submitter. Criteria: ICSL Variant Classification Criteria 13 December 2019. Collection method: clinical testing. Allele origin: germline.